The following is an entry in ClinVar:

NM_004260.4(RECQL4):c.2331G>A (p.Gly777=)

Gene: RECQL4 (RecQ like helicase 4; minus strand). Cytogenetic location: 8q24.3.
Variant type: single nucleotide variant.
Coding change: c.2331G>A on transcript NM_004260.4 (MANE Select); coding-DNA position 2331, G replaced by A.
Protein change: p.Gly777=; no amino-acid change (glycine 777 retained).
Molecular consequence: synonymous variant.
Genome position (GRCh38, 1-based): chr8:144,513,350, C>T on the plus strand (G>A on the coding strand, the complement: RECQL4 is on the minus strand). VCF-style: chr8-144513350-C-T. GRCh37 (hg19) VCF-style: chr8-145738733-C-T.
Other names: c.2331G>A (NM_004260.3).
Identifiers: ClinVar variation 1147495 (VCV001147495.10), dbSNP rs1391751255, ClinGen allele CA463566889.

ClinVar aggregate classification (germline): Likely benign. Review status: criteria provided, multiple submitters, no conflicts (2 of 4 stars). 3 submissions from 3 submitters: Likely benign (2). 1 of the submissions does not count toward it. Last evaluated 2025-07-30.

Conditions:
Inborn genetic diseases. Identifiers: MedGen C0950123, MeSH D030342.
RECQL4-related disorder. Also called: RECQL4-related condition; RECQL4-related disorders.
Baller-Gerold syndrome (BGS). Also called: CRANIOSYNOSTOSIS WITH RADIAL DEFECTS. Identifiers: Orphanet 1225, MedGen C0265308, MONDO:0009039, OMIM 218600.

Allele frequency attached by ClinVar (database versions not stated): gnomAD exomes below 0.00001; gnomAD 0.00001; TOPMed 0.00001.
gnomAD v4.1: 7 of 1,605,412 alleles (0.00044%); highest among the groups gnomAD compares: Admixed American, 0.005%; no homozygotes.

Submissions (3):

Labcorp Genetics (formerly Invitae), Labcorp
Classification: Likely benign for Baller-Gerold syndrome. Last evaluated: 2025-07-30. Review status: criteria provided, single submitter. Criteria: Invitae Variant Classification Sherloc (09022015). Collection method: clinical testing. Allele origin: germline.

Ambry Genetics
Classification: Likely benign for Inborn genetic diseases. Last evaluated: 2025-03-08. Review status: criteria provided, single submitter. Criteria: Ambry Variant Classification Scheme 2023. Collection method: clinical testing. Allele origin: germline.

PreventionGenetics, part of Exact Sciences
Classification: Likely benign for RECQL4-related condition. Last evaluated: 2023-12-29. Review status: no assertion criteria provided. Collection method: clinical testing. Allele origin: germline. Not counted in ClinVar's aggregate classification.
Comment: This variant is classified as likely benign based on ACMG/AMP sequence variant interpretation guidelines (Richards et al. 2015 PMID: 25741868, with internal and published modifications).